The following is an entry in ClinVar:

NM_024675.4(PALB2):c.743T>C (p.Val248Ala)

Gene: PALB2 (partner and localizer of BRCA2; minus strand). Cytogenetic location: 16p12.2.
Variant type: single nucleotide variant.
Coding change: c.743T>C on transcript NM_024675.4 (MANE Select); coding-DNA position 743, T replaced by C.
Protein change: p.Val248Ala; replaces valine 248 with alanine.
Molecular consequence: missense variant.
Genome position (GRCh38, 1-based): chr16:23,635,803, A>G on the plus strand (T>C on the coding strand, the complement: PALB2 is on the minus strand). VCF-style: chr16-23635803-A-G. GRCh37 (hg19) VCF-style: chr16-23647124-A-G.
Other names: short protein forms V248A.
Identifiers: ClinVar variation 628604 (VCV000628604.6), dbSNP rs1567222424, ClinGen allele CA395136218.

ClinVar aggregate classification (germline): Uncertain significance. Review status: criteria provided, multiple submitters, no conflicts (2 of 4 stars). 2 submissions from 2 submitters: Uncertain significance (2). Last evaluated 2024-11-05.

Conditions:
Hereditary cancer-predisposing syndrome. Also called: Neoplastic Syndromes, Hereditary; Tumor predisposition; Hereditary neoplastic syndrome; Hereditary Cancer Syndrome. Identifiers: Orphanet 140162, MedGen C0027672, MeSH D009386, MONDO:0015356.

Submissions (2):

Ambry Genetics
Classification: Uncertain significance for Hereditary cancer-predisposing syndrome. Last evaluated: 2024-11-05. Review status: criteria provided, single submitter. Criteria: Ambry Variant Classification Scheme 2023. Collection method: clinical testing. Allele origin: germline.
Comment: The p.V248A variant (also known as c.743T>C), located in coding exon 4 of the PALB2 gene, results from a T to C substitution at nucleotide position 743. The valine at codon 248 is replaced by alanine, an amino acid with similar properties. This amino acid position is conserved. In addition, this alteration is predicted to be tolerated by in silico analysis. Based on the available evidence, the clinical significance of this variant remains unclear.

Color Diagnostics, LLC DBA Color Health
Classification: Uncertain significance for Hereditary cancer-predisposing syndrome. Last evaluated: 2023-12-05. Review status: criteria provided, single submitter. Criteria: ACMG Guidelines, 2015. Collection method: clinical testing. Allele origin: germline.
Comment: This missense variant replaces valine with alanine at codon 248 of the PALB2 protein. Computational prediction suggests that this variant may not impact protein structure and function (internally defined REVEL score threshold <= 0.5, PMID: 27666373). To our knowledge, functional studies have not been reported for this variant. This variant has not been reported in individuals affected with PALB2-related disorders in the literature. This variant has not been identified in the general population by the Genome Aggregation Database (gnomAD). The available evidence is insufficient to determine the role of this variant in disease conclusively. Therefore, this variant is classified as a Variant of Uncertain Significance.